The following is an entry in ClinVar:

NM_000492.4(CFTR):c.3889del (p.Ser1297fs)

Gene: CFTR (CF transmembrane conductance regulator; plus strand). Cytogenetic location: 7q31.2.
Variant type: Deletion.
Coding change: c.3889del on transcript NM_000492.4 (MANE Select); coding-DNA position 3889, one base deleted (T; older notation c.3889delT).
Protein change: p.Ser1297fs; shifts the reading frame from serine 1297.
Molecular consequence: frameshift variant.
Genome position (GRCh38, 1-based): chr7:117,652,857, T deleted; the last of 6 consecutive T bases (chr7:117,652,852-117,652,857); deleting any one gives the same sequence. VCF-style (leftmost placement, unchanged base first): chr7-117652851-AT-A. GRCh37 (hg19) VCF-style: chr7-117292905-AT-A.
Other names: short protein forms S1297fs.
Identifiers: ClinVar variation 1706021 (VCV001706021.1), dbSNP rs121908808, ClinGen allele CA2580076370.
Genomic context (GRCh38, chr7:117,652,851, plus strand): 5'-AAAGTTATTTAAGTTATTCATACTTTCTTCTTCTTTTCTTTTTTGCTATAGAAAGTATTT[AT>A]TTTTTCTGGAACATTTAGAAAAAACTTGGATCCCTATGAACAGTGGAGTGATCAAGAAAT-3'

ClinVar aggregate classification (germline): Pathogenic (1 of 4 stars; one submission).

Conditions:
Cystic fibrosis (CF). Also called: MUCOVISCIDOSIS. Identifiers: Orphanet 586, MedGen C0010674, MONDO:0009061, OMIM 219700. Disease mechanism: loss of function.

Submission:

Institute of Human Genetics, University of Leipzig Medical Center
Classification: Pathogenic for Cystic fibrosis. Last evaluated: 2022-09-05. Review status: criteria provided, single submitter. Criteria: ACMG Guidelines, 2015. Collection method: curation. Allele origin: unknown. Affected: yes. Observed: 1 variant allele.
Comment: The variant was classified in the context of a project re-classifying variants in the German Cystic Fibrosis Registry (Muko.e.V.). Criteria applied: PVS1, PM2_SUP, PP4